The following is an entry in ClinVar:

ClinVar aggregate classification (germline): Pathogenic. Review status: criteria provided, multiple submitters, no conflicts (2 of 4 stars). 3 submissions from 3 submitters: Pathogenic (3). Last evaluated 2025-03-05.

Conditions:
Neuromuscular disease caused by qualitative or quantitative defects of dystrophin. Also called: Qualitative or quantitative defects of dystrophin. Identifiers: Orphanet 207085, MedGen C5679787, MONDO:0016147.
Duchenne muscular dystrophy (DMD). Also called: Duchenne Muscular Dystrophy (DMD); MUSCULAR DYSTROPHY, PSEUDOHYPERTROPHIC PROGRESSIVE, DUCHENNE TYPE. Identifiers: Orphanet 98896, MedGen C0013264, MONDO:0010679, OMIM 310200.

Submissions (3):

Women's Health and Genetics/Laboratory Corporation of America, LabCorp
Classification: Pathogenic for Neuromuscular disease caused by qualitative or quantitative defects of dystrophin. Last evaluated: 2025-03-05. Review status: criteria provided, single submitter. Criteria: LabCorp Variant Classification Summary - May 2015. Collection method: clinical testing. Allele origin: germline.
Comment: Variant summary: DMD c.5773G>T (p.Glu1925*) results in a premature termination codon, predicted to cause a truncation of the encoded protein or absence of the protein due to nonsense mediated decay, which are commonly known mechanisms for disease. The variant was absent in 182573 control chromosomes. c.5773G>T has been reported in the literature in individual(s) affected with Dystrophinopathies (e.g., Yun_2021). The following publication has been ascertained in the context of this evaluation (PMID: 34297739). ClinVar contains an entry for this variant (Variation ID: 94681). Based on the evidence outlined above, the variant was classified as pathogenic.

Laboratory of Medical Genetics, National & Kapodistrian University of Athens
Classification: Pathogenic for Duchenne muscular dystrophy. Last evaluated: 2022-12-16. Review status: criteria provided, single submitter. Criteria: ACMG Guidelines, 2015. Collection method: clinical testing. Allele origin: germline. Affected: yes.
Comment: PVS1, PM2, PP5

Athena Diagnostics
Classification: Pathogenic for Duchenne muscular dystrophy. Last evaluated: 2015-09-09. Review status: criteria provided, single submitter. Criteria: Athena Diagnostics Criteria. Collection method: clinical testing. Allele origin: germline. Inheritance: X-linked recessive inheritance.
Comment: X-linked recessive inheritance

Literature cited by the submitters: PubMed 34297739 (cited by Women's Health and Genetics/Laboratory Corporation of America, LabCorp and Laboratory of Medical Genetics, National & Kapodistrian University of Athens); PubMed 27363342 (cited by Laboratory of Medical Genetics, National & Kapodistrian University of Athens); PubMed 32813700 (cited by Laboratory of Medical Genetics, National & Kapodistrian University of Athens); PubMed 19760747 (cited by Athena Diagnostics).

NM_004006.3(DMD):c.5773G>T (p.Glu1925Ter)

Gene: DMD (dystrophin; minus strand). Cytogenetic location: Xp21.1.
Variant type: single nucleotide variant.
Coding change: c.5773G>T on transcript NM_004006.3 (MANE Select); coding-DNA position 5773, G replaced by T.
Protein change: p.Glu1925Ter; replaces glutamic acid 1925 with a stop codon.
Molecular consequence: nonsense.
Genome position (GRCh38, 1-based): chrX:32,342,249, C>A on the plus strand (G>T on the coding strand, the complement: DMD is on the minus strand). VCF-style: chrX-32342249-C-A. GRCh37 (hg19) VCF-style: chrX-32360366-C-A.
Other names: NP_003997.1:p.Glu1925*; c.5749G>T, p.Glu1917Ter (NM_000109.4); c.5761G>T, p.Glu1921Ter (NM_004009.3); c.5404G>T, p.Glu1802Ter (NM_004010.3); c.1750G>T, p.Glu584Ter (NM_004011.4); c.1741G>T, p.Glu581Ter (NM_004012.4); short protein forms E1925*, E1802*, E1917*, E1921*, E581*, E584*.
Identifiers: ClinVar variation 94681 (VCV000094681.5), dbSNP rs398123997, ClinGen allele CA267077.